The following is an entry in ClinVar:

ClinVar aggregate classification (germline): Uncertain significance (1 of 4 stars; one submission).

Submission:

GeneDx
Classification: Uncertain significance. Last evaluated: 2026-02-05. Review status: criteria provided, single submitter. Criteria: GeneDx Variant Classification Process June 2021. Collection method: clinical testing. Allele origin: germline.
Comment: Not observed at significant frequency in large population cohorts (gnomAD); In silico analysis suggests that this missense variant does not alter protein structure/function; Has not been previously published as pathogenic or benign to our knowledge

NM_003482.4(KMT2D):c.2798A>G (p.Asp933Gly)

Gene: KMT2D (lysine methyltransferase 2D; minus strand). Cytogenetic location: 12q13.12.
Variant type: single nucleotide variant.
Coding change: c.2798A>G on transcript NM_003482.4 (MANE Select); coding-DNA position 2798, A replaced by G.
Protein change: p.Asp933Gly; replaces aspartic acid 933 with glycine.
Molecular consequence: missense variant.
Genome position (GRCh38, 1-based): chr12:49,050,790, T>C on the plus strand (A>G on the coding strand, the complement: KMT2D is on the minus strand). VCF-style: chr12-49050790-T-C. GRCh37 (hg19) VCF-style: chr12-49444573-T-C.
Other names: short protein forms D933G.
Identifiers: ClinVar variation 4976161 (VCV004976161.1).